The following is an entry in ClinVar:

NM_004006.3(DMD):c.6427T>C (p.Trp2143Arg)

Gene: DMD (dystrophin; minus strand). Cytogenetic location: Xp21.1.
Variant type: single nucleotide variant.
Coding change: c.6427T>C on transcript NM_004006.3 (MANE Select); coding-DNA position 6427, T replaced by C.
Protein change: p.Trp2143Arg; replaces tryptophan 2143 with arginine.
Molecular consequence: missense variant.
Genome position (GRCh38, 1-based): chrX:32,216,927, A>G on the plus strand (T>C on the coding strand, the complement: DMD is on the minus strand). VCF-style: chrX-32216927-A-G. GRCh37 (hg19) VCF-style: chrX-32235044-A-G.
Other names: c.6403T>C, p.Trp2135Arg (NM_000109.4); c.6415T>C, p.Trp2139Arg (NM_004009.3); c.6058T>C, p.Trp2020Arg (NM_004010.3); c.2404T>C, p.Trp802Arg (NM_004011.4); c.2395T>C, p.Trp799Arg (NM_004012.4); short protein forms W2135R, W2139R, W799R, W2020R, W2143R, W802R.
Identifiers: ClinVar variation 2626679 (VCV002626679.5), dbSNP rs2519057253, ClinGen allele CA412660487.

ClinVar aggregate classification (germline): Uncertain significance. Review status: criteria provided, multiple submitters, no conflicts (2 of 4 stars). 3 submissions from 3 submitters: Uncertain significance (3). Last evaluated 2024-12-31.

Conditions:
Cardiovascular phenotype. Identifiers: MedGen CN230736.
Duchenne muscular dystrophy (DMD). Also called: Duchenne Muscular Dystrophy (DMD); MUSCULAR DYSTROPHY, PSEUDOHYPERTROPHIC PROGRESSIVE, DUCHENNE TYPE. Identifiers: Orphanet 98896, MedGen C0013264, MONDO:0010679, OMIM 310200.

Allele frequency attached by ClinVar (database versions not stated): gnomAD exomes 0.00001.
gnomAD v4.1: 10 of 1,208,132 alleles (0.00083%); highest among the groups gnomAD compares: Non-Finnish European, 0.0011%; no homozygotes.

Submissions (3):

Labcorp Genetics (formerly Invitae), Labcorp
Classification: Uncertain significance for Duchenne muscular dystrophy. Last evaluated: 2024-12-31. Review status: criteria provided, single submitter. Criteria: Invitae Variant Classification Sherloc (09022015). Collection method: clinical testing. Allele origin: germline.
Comment: This sequence change replaces tryptophan, which is neutral and slightly polar, with arginine, which is basic and polar, at codon 2143 of the DMD protein (p.Trp2143Arg). This variant is not present in population databases (gnomAD no frequency). This variant has not been reported in the literature in individuals affected with DMD-related conditions. ClinVar contains an entry for this variant (Variation ID: 2626679). Invitae Evidence Modeling of protein sequence and biophysical properties (such as structural, functional, and spatial information, amino acid conservation, physicochemical variation, residue mobility, and thermodynamic stability) indicates that this missense variant is not expected to disrupt DMD protein function with a negative predictive value of 95%. In summary, the available evidence is currently insufficient to determine the role of this variant in disease. Therefore, it has been classified as a Variant of Uncertain Significance.

GeneDx
Classification: Uncertain significance. Last evaluated: 2023-12-14. Review status: criteria provided, single submitter. Criteria: GeneDx Variant Classification Process June 2021. Collection method: clinical testing. Allele origin: germline. Affected: yes.
Comment: Has not been previously published as pathogenic or benign to our knowledge; Not observed at significant frequency in large population cohorts (gnomAD); In silico analysis supports that this missense variant does not alter protein structure/function

Ambry Genetics
Classification: Uncertain significance for Cardiovascular phenotype. Last evaluated: 2023-08-19. Review status: criteria provided, single submitter. Criteria: Ambry Variant Classification Scheme 2023. Collection method: clinical testing. Allele origin: germline.
Comment: The p.W2143R variant (also known as c.6427T>C), located in coding exon 44 of the DMD gene, results from a T to C substitution at nucleotide position 6427. The tryptophan at codon 2143 is replaced by arginine, an amino acid with dissimilar properties. This amino acid position is well conserved in available vertebrate species. In addition, this alteration is predicted to be tolerated by in silico analysis. Since supporting evidence is limited at this time, the clinical significance of this alteration remains unclear.